The following is an entry in ClinVar:

ClinVar aggregate classification (germline): Uncertain significance (1 of 4 stars; one submission).

Allele frequency attached by ClinVar (database versions not stated): gnomAD exomes below 0.00001.

Submission:

Labcorp Genetics (formerly Invitae), Labcorp
Classification: Uncertain significance. Last evaluated: 2023-11-28. Review status: criteria provided, single submitter. Criteria: Invitae Variant Classification Sherloc (09022015). Collection method: clinical testing. Allele origin: germline.
Comment: This sequence change falls in intron 6 of the ECHS1 gene. It does not directly change the encoded amino acid sequence of the ECHS1 protein. It affects a nucleotide within the consensus splice site. This variant is present in population databases (no rsID available, gnomAD 0.003%). This variant has not been reported in the literature in individuals affected with ECHS1-related conditions. ClinVar contains an entry for this variant (Variation ID: 1465670). Variants that disrupt the consensus splice site are a relatively common cause of aberrant splicing (PMID: 17576681, 9536098). Algorithms developed to predict the effect of sequence changes on RNA splicing suggest that this variant may disrupt the consensus splice site. In summary, the available evidence is currently insufficient to determine the role of this variant in disease. Therefore, it has been classified as a Variant of Uncertain Significance.

Literature cited by the submitters: PubMed 17576681; PubMed 9536098.

NM_004092.4(ECHS1):c.740-3C>T

Gene: ECHS1 (enoyl-CoA hydratase, short chain 1; minus strand). Cytogenetic location: 10q26.3.
Variant type: single nucleotide variant.
Coding change: c.740-3C>T on transcript NM_004092.4 (MANE Select); 3 bases into the intron before coding-DNA position 740, C replaced by T.
Molecular consequence: intron variant.
Genome position (GRCh38, 1-based): chr10:133,364,728, G>A on the plus strand (C>T on the coding strand, the complement: ECHS1 is on the minus strand). VCF-style: chr10-133364728-G-A. GRCh37 (hg19) VCF-style: chr10-135178232-G-A.
Identifiers: ClinVar variation 1465670 (VCV001465670.6), dbSNP rs1329834481, ClinGen allele CA596740739.